The following is an entry in ClinVar:

ClinVar aggregate classification (germline): Uncertain significance (1 of 4 stars; one submission).

Conditions:
Dilated cardiomyopathy 1G (CMD1G). Identifiers: Orphanet 154, MedGen C1858763, MONDO:0011400, OMIM 604145.
Autosomal recessive limb-girdle muscular dystrophy type 2J (LGMDR10). Also called: MUSCULAR DYSTROPHY, LIMB-GIRDLE, AUTOSOMAL RECESSIVE 10; Limb-girdle muscular dystrophy, type 2J. Identifiers: Orphanet 140922, MedGen C1837342, MONDO:0012127, OMIM 608807.

Submission:

Labcorp Genetics (formerly Invitae), Labcorp
Classification: Uncertain significance for Dilated cardiomyopathy 1G; Autosomal recessive limb-girdle muscular dystrophy type 2J. Last evaluated: 2022-06-27. Review status: criteria provided, single submitter. Criteria: Invitae Variant Classification Sherloc (09022015). Collection method: clinical testing. Allele origin: germline.
Comment: In summary, the available evidence is currently insufficient to determine the role of this variant in disease. Therefore, it has been classified as a Variant of Uncertain Significance. This variant is located in the A band of TTN (PMID: 25589632). Variants in this region may be relevant for cardiac or neuromuscular disorders (PMID: 25589632, 23975875). Experimental studies and prediction algorithms are not available or were not evaluated, and the functional significance of this variant is currently unknown. ClinVar contains an entry for this variant (Variation ID: 1021382). This variant has not been reported in the literature in individuals affected with TTN-related conditions. This variant is not present in population databases (gnomAD no frequency). This sequence change replaces valine, which is neutral and non-polar, with leucine, which is neutral and non-polar, at codon 31758 of the TTN protein (p.Val31758Leu).

Literature cited by the submitters: PubMed 25589632; PubMed 23975875.

NM_001267550.2(TTN):c.95272G>C (p.Val31758Leu)

Genes: TTN (titin; minus strand), TTN-AS1 (TTN antisense RNA 1; plus strand). Cytogenetic location: 2q31.2.
Variant type: single nucleotide variant.
Coding change: c.95272G>C on transcript NM_001267550.2 (MANE Select); coding-DNA position 95272, G replaced by C.
Protein change: p.Val31758Leu; replaces valine 31758 with leucine.
Molecular consequence: missense variant.
Genome position (GRCh38, 1-based): chr2:178,545,964, C>G on the plus strand (G>C on the coding strand, the complement: TTN is on the minus strand). VCF-style: chr2-178545964-C-G. GRCh37 (hg19) VCF-style: chr2-179410691-C-G.
Other names: c.90349G>C, p.Val30117Leu (NM_001256850.1); c.68077G>C, p.Val22693Leu (NM_003319.4); c.87568G>C, p.Val29190Leu (NM_133378.4); c.68452G>C, p.Val22818Leu (NM_133432.3); c.68653G>C, p.Val22885Leu (NM_133437.4); short protein forms V22693L, V22818L, V22885L, V29190L, V30117L, V31758L.
Identifiers: ClinVar variation 1021382 (VCV001021382.7), dbSNP rs1696907299, ClinGen allele CA349463349.